The following is an entry in ClinVar:

ClinVar aggregate classification (germline): Uncertain significance (1 of 4 stars; one submission).

Conditions:
Charcot-Marie-Tooth disease type 4. Also called: Charcot-Marie-Tooth disease, type IV; Charcot-Marie-Tooth, Type 4. Identifiers: Orphanet 64749, MedGen C4082197, MONDO:0018995.

Allele frequency attached by ClinVar (database versions not stated): gnomAD exomes below 0.00001.
gnomAD v4.1: 4 of 1,613,918 alleles (0.00025%); highest among the groups gnomAD compares: Non-Finnish European, 0.00034%; no homozygotes.

Submission:

Labcorp Genetics (formerly Invitae), Labcorp
Classification: Uncertain significance for Charcot-Marie-Tooth disease type 4. Last evaluated: 2020-08-24. Review status: criteria provided, single submitter. Criteria: Invitae Variant Classification Sherloc (09022015). Collection method: clinical testing. Allele origin: germline.
Comment: In summary, the available evidence is currently insufficient to determine the role of this variant in disease. Therefore, it has been classified as a Variant of Uncertain Significance. Algorithms developed to predict the effect of missense changes on protein structure and function are either unavailable or do not agree on the potential impact of this missense change (SIFT: "Tolerated"; PolyPhen-2: "Possibly Damaging"; Align-GVGD: "Class C0"). This variant has not been reported in the literature in individuals with PRX-related conditions. This variant is not present in population databases (ExAC no frequency). This sequence change replaces leucine with methionine at codon 867 of the PRX protein (p.Leu867Met). The leucine residue is moderately conserved and there is a small physicochemical difference between leucine and methionine.

NM_181882.3(PRX):c.2599C>A (p.Leu867Met)

Gene: PRX (periaxin; minus strand). Cytogenetic location: 19q13.2.
Variant type: single nucleotide variant.
Coding change: c.2599C>A on transcript NM_181882.3 (MANE Select); coding-DNA position 2599, C replaced by A.
Protein change: p.Leu867Met; replaces leucine 867 with methionine.
Molecular consequence: missense variant. On other transcripts: 3 prime UTR variant (1).
Genome position (GRCh38, 1-based): chr19:40,395,753, G>T on the plus strand (C>A on the coding strand, the complement: PRX is on the minus strand). VCF-style: chr19-40395753-G-T. GRCh37 (hg19) VCF-style: chr19-40901660-G-T.
Other names: c.*2804C>A (NM_020956.2); short protein forms L867M.
Identifiers: ClinVar variation 1046923 (VCV001046923.8), dbSNP rs2079428174, ClinGen allele CA405895960.